The following is an entry in ClinVar:

ClinVar aggregate classification (germline): Uncertain significance (1 of 4 stars; one submission).

Conditions:
Inborn genetic diseases. Identifiers: MedGen C0950123, MeSH D030342.

Submission:

Ambry Genetics
Classification: Uncertain significance for Inborn genetic diseases. Last evaluated: 2024-01-13. Review status: criteria provided, single submitter. Criteria: Ambry Variant Classification Scheme 2023. Collection method: clinical testing. Allele origin: germline.
Comment: The p.M1856L variant (also known as c.5566A>C), located in coding exon 33 of the ATR gene, results from an A to C substitution at nucleotide position 5566. The methionine at codon 1856 is replaced by leucine, an amino acid with highly similar properties. This amino acid position is conserved. In addition, the in silico prediction for this alteration is inconclusive. Since supporting evidence is limited at this time, the clinical significance of this alteration remains unclear.

NM_001184.4(ATR):c.5566A>C (p.Met1856Leu)

Gene: ATR (ATR checkpoint kinase; minus strand). Cytogenetic location: 3q23.
Variant type: single nucleotide variant.
Coding change: c.5566A>C on transcript NM_001184.4 (MANE Select); coding-DNA position 5566, A replaced by C.
Protein change: p.Met1856Leu; replaces methionine 1856 with leucine.
Molecular consequence: missense variant.
Genome position (GRCh38, 1-based): chr3:142,497,185, T>G on the plus strand (A>C on the coding strand, the complement: ATR is on the minus strand). VCF-style: chr3-142497185-T-G. GRCh37 (hg19) VCF-style: chr3-142216027-T-G.
Other names: c.5374A>C, p.Met1792Leu (NM_001354579.2); short protein forms M1792L, M1856L.
Identifiers: ClinVar variation 3221215 (VCV003221215.1), dbSNP rs2473159372, ClinGen allele CA354815041.